The following is an entry in ClinVar:

ClinVar aggregate classification (germline): Uncertain significance. Review status: criteria provided, multiple submitters, no conflicts (2 of 4 stars). 2 submissions from 2 submitters: Uncertain significance (2). Last evaluated 2024-12-19.

Conditions:
POLD1-related polyposis and colorectal cancer syndrome (CRCS10). Also called: Colorectal cancer 10; COLORECTAL CANCER, SUSCEPTIBILITY TO, ON CHROMOSOME 19q; Colorectal cancer, susceptibility to, 10. Identifiers: Orphanet 220460, MedGen C2675481, MONDO:0012953, OMIM 612591.
Hereditary cancer-predisposing syndrome. Also called: Neoplastic Syndromes, Hereditary; Tumor predisposition; Hereditary Cancer Syndrome; Hereditary neoplastic syndrome. Identifiers: Orphanet 140162, MedGen C0027672, MeSH D009386, MONDO:0015356.

Submissions (2):

Ambry Genetics
Classification: Uncertain significance for Hereditary cancer-predisposing syndrome. Last evaluated: 2024-12-19. Review status: criteria provided, single submitter. Criteria: Ambry Variant Classification Scheme 2023. Collection method: clinical testing. Allele origin: germline.
Comment: The c.971-3C>A intronic variant results from a C to A substitution 3 nucleotides upstream from coding exon 8 in the POLD1 gene. This nucleotide position is not well conserved in available vertebrate species. In silico splice site analysis predicts that this alteration may weaken the native splice acceptor site. Based on the available evidence, the clinical significance of this variant remains unclear.

Labcorp Genetics (formerly Invitae), Labcorp
Classification: Uncertain significance for POLD1-related polyposis and colorectal cancer syndrome. Last evaluated: 2024-02-09. Review status: criteria provided, single submitter. Criteria: Invitae Variant Classification Sherloc (09022015). Collection method: clinical testing. Allele origin: germline.
Comment: This sequence change falls in intron 8 of the POLD1 gene. It does not directly change the encoded amino acid sequence of the POLD1 protein. It affects a nucleotide within the consensus splice site. This variant is not present in population databases (gnomAD no frequency). This variant has not been reported in the literature in individuals affected with POLD1-related conditions. Variants that disrupt the consensus splice site are a relatively common cause of aberrant splicing (PMID: 17576681, 9536098). Algorithms developed to predict the effect of sequence changes on RNA splicing suggest that this variant may disrupt the consensus splice site. In summary, the available evidence is currently insufficient to determine the role of this variant in disease. Therefore, it has been classified as a Variant of Uncertain Significance.

Literature cited by the submitters: PubMed 17576681 (cited by Labcorp Genetics (formerly Invitae), Labcorp); PubMed 9536098 (cited by Labcorp Genetics (formerly Invitae), Labcorp).

NM_002691.4(POLD1):c.971-3C>A

Gene: POLD1 (DNA polymerase delta 1, catalytic subunit; plus strand). Cytogenetic location: 19q13.33.
Variant type: single nucleotide variant.
Coding change: c.971-3C>A on transcript NM_002691.4 (MANE Select); 3 bases into the intron before coding-DNA position 971, C replaced by A.
Molecular consequence: intron variant.
Genome position (GRCh38, 1-based): chr19:50,403,050, C>A. VCF-style: chr19-50403050-C-A. GRCh37 (hg19) VCF-style: chr19-50906307-C-A.
Other names: c.971-3C>A (NM_001256849.1, NM_001308632.1, NM_002691.2).
Identifiers: ClinVar variation 2828082 (VCV002828082.4), dbSNP rs2513972633, ClinGen allele CA2576862480.